The following is an entry in ClinVar:

ClinVar aggregate classification (germline): Uncertain significance. Review status: criteria provided, multiple submitters, no conflicts (2 of 4 stars). 2 submissions from 2 submitters: Uncertain significance (2). Last evaluated 2026-05-30.

Conditions:
Inborn genetic diseases. Identifiers: MedGen C0950123, MeSH D030342.
Fanconi anemia (FA). Also called: Fanconi's anemia. Identifiers: Orphanet 84, MedGen C0015625, MeSH D005199, MONDO:0019391.

Submissions (2):

Ambry Genetics
Classification: Uncertain significance for Inborn genetic diseases. Last evaluated: 2026-05-30. Review status: criteria provided, single submitter. Criteria: Ambry Variant Classification Scheme 2023. Collection method: clinical testing. Allele origin: germline.
Comment: The p.L68R variant (also known as c.203T>G), located in coding exon 3 of the FANCA gene, results from a T to G substitution at nucleotide position 203. The leucine at codon 68 is replaced by arginine, an amino acid with dissimilar properties. This amino acid position is conserved. In addition, this alteration is predicted to be tolerated by in silico analysis. Based on the available evidence, the clinical significance of this variant remains unclear.

Labcorp Genetics (formerly Invitae), Labcorp
Classification: Uncertain significance for Fanconi anemia. Last evaluated: 2023-09-18. Review status: criteria provided, single submitter. Criteria: Invitae Variant Classification Sherloc (09022015). Collection method: clinical testing. Allele origin: germline.
Comment: This sequence change replaces leucine, which is neutral and non-polar, with arginine, which is basic and polar, at codon 68 of the FANCA protein (p.Leu68Arg). This variant is not present in population databases (gnomAD no frequency). This variant has not been reported in the literature in individuals affected with FANCA-related conditions. Advanced modeling of protein sequence and biophysical properties (such as structural, functional, and spatial information, amino acid conservation, physicochemical variation, residue mobility, and thermodynamic stability) performed at Invitae indicates that this missense variant is not expected to disrupt FANCA protein function. In summary, the available evidence is currently insufficient to determine the role of this variant in disease. Therefore, it has been classified as a Variant of Uncertain Significance.

NM_000135.4(FANCA):c.203T>G (p.Leu68Arg)

Gene: FANCA (FA complementation group A; minus strand). Cytogenetic location: 16q24.3.
Variant type: single nucleotide variant.
Coding change: c.203T>G on transcript NM_000135.4 (MANE Select); coding-DNA position 203, T replaced by G.
Protein change: p.Leu68Arg; replaces leucine 68 with arginine.
Molecular consequence: missense variant.
Genome position (GRCh38, 1-based): chr16:89,814,600, A>C on the plus strand (T>G on the coding strand, the complement: FANCA is on the minus strand). VCF-style: chr16-89814600-A-C. GRCh37 (hg19) VCF-style: chr16-89881008-A-C.
Other names: c.203T>G, p.Leu68Arg (NM_001018112.3, NM_001286167.3, NM_001351830.2); short protein forms L68R.
Identifiers: ClinVar variation 2918591 (VCV002918591.4), dbSNP rs2041028070, ClinGen allele CA397482599.